The following is an entry in ClinVar:

NM_017838.4(NHP2):c.267_270del (p.Glu89fs)

Gene: NHP2 (NHP2 ribonucleoprotein; minus strand). Cytogenetic location: 5q35.3.
Variant type: Deletion.
Coding change: c.267_270del on transcript NM_017838.4 (MANE Select); coding-DNA positions 267 to 270, 4 bases deleted (GGTA; older notation c.267_270delGGTA).
Protein change: p.Glu89fs; shifts the reading frame from glutamic acid 89.
Molecular consequence: frameshift variant. On other transcripts: intron variant (1).
Genome position (GRCh38, 1-based): chr5:178,150,954-178,150,957, TACC deleted on the plus strand (GGTA on the coding strand, the reverse complement: NHP2 is on the minus strand); deleting any 4 consecutive bases within chr5:178,150,954-178,150,958 gives the same sequence; the c. name uses the placement nearest the transcript's 3' end. VCF-style (leftmost placement, unchanged base first): chr5-178150953-ATACC-A. GRCh37 (hg19) VCF-style: chr5-177577954-ATACC-A.
Other names: c.231-1119_231-1116del (NM_001034833.2); c.267_270delGGTA (NM_017838.3); short protein forms E89fs.
Identifiers: ClinVar variation 660885 (VCV000660885.6), dbSNP rs754436041, ClinGen allele CA132928336.

ClinVar aggregate classification (germline): Uncertain significance (1 of 4 stars; one submission).

Conditions:
Dyskeratosis congenita. Identifiers: Orphanet 1775, MedGen C0265965, MONDO:0015780.

Submission:

Labcorp Genetics (formerly Invitae), Labcorp
Classification: Uncertain significance for Dyskeratosis congenita. Last evaluated: 2021-08-31. Review status: criteria provided, single submitter. Criteria: Invitae Variant Classification Sherloc (09022015). Collection method: clinical testing. Allele origin: germline.
Comment: This sequence change creates a premature translational stop signal (p.Glu89Aspfs*37) in the NHP2 gene. While this is not anticipated to result in nonsense mediated decay, it is expected to disrupt the last 65 amino acid(s) of the NHP2 protein. This variant is not present in population databases (ExAC no frequency). This variant has not been reported in the literature in individuals affected with NHP2-related conditions. Experimental studies and prediction algorithms are not available or were not evaluated, and the functional significance of this variant is currently unknown. In summary, the available evidence is currently insufficient to determine the role of this variant in disease. Therefore, it has been classified as a Variant of Uncertain Significance.